The following is an entry in ClinVar:

NM_001369.3(DNAH5):c.10323G>A (p.Met3441Ile)

Gene: DNAH5 (dynein axonemal heavy chain 5; minus strand). Cytogenetic location: 5p15.2.
Variant type: single nucleotide variant.
Coding change: c.10323G>A on transcript NM_001369.3 (MANE Select); coding-DNA position 10323, G replaced by A.
Protein change: p.Met3441Ile; replaces methionine 3441 with isoleucine.
Molecular consequence: missense variant.
Genome position (GRCh38, 1-based): chr5:13,758,942, C>T on the plus strand (G>A on the coding strand, the complement: DNAH5 is on the minus strand). VCF-style: chr5-13758942-C-T. GRCh37 (hg19) VCF-style: chr5-13759051-C-T.
Other names: short protein forms M3441I.
Identifiers: ClinVar variation 227322 (VCV000227322.27), dbSNP rs149133845, ClinGen allele CA3202276.

ClinVar aggregate classification (germline): Conflicting classifications of pathogenicity. Review status: criteria provided, conflicting classifications (1 of 4 stars). 8 submissions from 8 submitters: Uncertain significance (1); Benign (1); Likely benign (5). 1 of the submissions does not count toward it. Last evaluated 2026-01-17.

Conditions:
Primary ciliary dyskinesia. Also called: Ciliary dyskinesia. Identifiers: Orphanet 244, MedGen C0008780, MONDO:0016575, HP:0012265.
Primary ciliary dyskinesia 3. Identifiers: Orphanet 244, MedGen C1837618, MONDO:0012085, OMIM 608644.

Allele frequency attached by ClinVar (database versions not stated): gnomAD exomes 0.00013 and 0.00045; ExAC 0.00061; gnomAD 0.00170 and 0.00185; TOPMed 0.00186; 1000 Genomes Project 0.00200; ESP Exome Variant Server 0.00208; 1000 Genomes Project 30x 0.00297.
gnomAD v4.1: 458 of 1,614,158 alleles (0.028%); highest among the groups gnomAD compares: African/African-American, 0.53%; 2 homozygotes.

Submissions (8):

Labcorp Genetics (formerly Invitae), Labcorp
Classification: Likely benign for Primary ciliary dyskinesia. Last evaluated: 2026-01-17. Review status: criteria provided, single submitter. Criteria: Invitae Variant Classification Sherloc (09022015). Collection method: clinical testing. Allele origin: germline.

Ambry Genetics
Classification: Benign for Primary ciliary dyskinesia. Last evaluated: 2025-09-15. Review status: criteria provided, single submitter. Criteria: Ambry Variant Classification Scheme 2023. Collection method: clinical testing. Allele origin: germline.

ARUP Laboratories, Molecular Genetics and Genomics, ARUP Laboratories
Classification: Likely benign for Primary ciliary dyskinesia 3. Last evaluated: 2024-10-18. Review status: criteria provided, single submitter. Criteria: ARUP Molecular Germline Variant Investigation Process 2024. Collection method: clinical testing. Allele origin: germline.

Eurofins Ntd Llc (ga)
Classification: Likely benign. Last evaluated: 2018-05-16. Review status: criteria provided, single submitter. Criteria: EGL ClinVar v180209 classification definitions. Collection method: clinical testing. Allele origin: germline. Observed: 1 variant allele, 1 heterozygote.

Illumina Laboratory Services, Illumina
Classification: Uncertain significance for Primary ciliary dyskinesia 3. Last evaluated: 2018-01-13. Review status: criteria provided, single submitter. Criteria: ICSL Variant Classification Criteria 13 December 2019. Collection method: clinical testing. Allele origin: germline.

Laboratory for Molecular Medicine, Mass General Brigham Personalized Medicine
Classification: Likely benign. Last evaluated: 2015-08-12. Review status: criteria provided, single submitter. Criteria: LMM Criteria. Collection method: clinical testing. Allele origin: germline. Observed: 1 variant allele.
Comment: p.Met3441Ile in exon 61 of DNAH5: This variant is not expected to have clinical significance because it has been identified in 0.7% (71/10406) of African chromo somes by the Exome Aggregation Consortium (ExAC; dbSNP rs149133845).

PreventionGenetics, part of Exact Sciences
Classification: Likely benign. Review status: criteria provided, single submitter. Criteria: ACMG Guidelines, 2015. Collection method: clinical testing. Allele origin: germline.

Natera, Inc.
Classification: Uncertain significance for Primary ciliary dyskinesia. Last evaluated: 2019-11-11. Review status: no assertion criteria provided. Collection method: clinical testing. Allele origin: germline. Not counted in ClinVar's aggregate classification.